The following is an entry in ClinVar:

NM_017534.6(MYH2):c.5579C>A (p.Thr1860Lys)

Genes: MYH2 (myosin heavy chain 2; minus strand), MYHAS (myosin heavy chain gene cluster antisense RNA; plus strand). Cytogenetic location: 17p13.1.
Variant type: single nucleotide variant.
Coding change: c.5579C>A on transcript NM_017534.6 (MANE Select); coding-DNA position 5579, C replaced by A.
Protein change: p.Thr1860Lys; replaces threonine 1860 with lysine.
Molecular consequence: missense variant.
Genome position (GRCh38, 1-based): chr17:10,523,184, G>T on the plus strand (C>A on the coding strand, the complement: MYH2 is on the minus strand). VCF-style: chr17-10523184-G-T. GRCh37 (hg19) VCF-style: chr17-10426501-G-T.
Other names: c.5579C>A, p.Thr1860Lys (NM_001100112.2); short protein forms T1860K.
Identifiers: ClinVar variation 2630452 (VCV002630452.1), dbSNP rs148724880, ClinGen allele CA398114419.

ClinVar aggregate classification (germline): Uncertain significance (1 of 4 stars; one submission).

Conditions:
MYH2-related disorder. Also called: MYH2-related condition.

Submission:

PreventionGenetics, part of Exact Sciences
Classification: Uncertain significance for MYH2-related condition. Last evaluated: 2023-03-03. Review status: criteria provided, single submitter. Criteria: ACMG Guidelines, 2015. Collection method: clinical testing. Allele origin: germline.
Comment: The MYH2 c.5579C>A variant is predicted to result in the amino acid substitution p.Thr1860Lys. To our knowledge, this variant has not been reported in the literature or in a large population database, indicating this variant is rare. At this time, the clinical significance of this variant is uncertain due to the absence of conclusive functional and genetic evidence.